The following is an entry in ClinVar:

ClinVar aggregate classification (germline): Likely benign. Review status: criteria provided, multiple submitters, no conflicts (2 of 4 stars). 2 submissions from 2 submitters: Likely benign (2). Last evaluated 2025-02-03.

Conditions:
Nephronophthisis. Also called: Juvenile Nephronophthisis. Identifiers: Orphanet 655, MedGen C0687120, MONDO:0019005, HP:0000090.
INVS-related disorder. Also called: INVS-related condition.

gnomAD v4.1: 17 of 1,613,928 alleles (0.0011%); highest among the groups gnomAD compares: Non-Finnish European, 0.0014%; no homozygotes.

Submissions (2):

PreventionGenetics, part of Exact Sciences
Classification: Likely benign for INVS-related condition. Last evaluated: 2025-02-03. Review status: criteria provided, single submitter. Criteria: ACMG Guidelines, 2015. Collection method: clinical testing. Allele origin: germline.
Comment: This variant is classified as likely benign based on ACMG/AMP sequence variant interpretation guidelines (Richards et al. 2015 PMID: 25741868, with internal and published modifications).

Labcorp Genetics (formerly Invitae), Labcorp
Classification: Likely benign for Nephronophthisis. Last evaluated: 2023-10-17. Review status: criteria provided, single submitter. Criteria: Invitae Variant Classification Sherloc (09022015). Collection method: clinical testing. Allele origin: germline.

NM_014425.5(INVS):c.367C>A (p.Arg123=)

Gene: INVS (inversin; plus strand). Cytogenetic location: 9q31.1.
Variant type: single nucleotide variant.
Coding change: c.367C>A on transcript NM_014425.5 (MANE Select); coding-DNA position 367, C replaced by A.
Protein change: p.Arg123=; no amino-acid change (arginine 123 retained).
Molecular consequence: synonymous variant. On other transcripts: 5 prime UTR variant (1), non-coding transcript variant (1).
Genome position (GRCh38, 1-based): chr9:100,226,155, C>A. VCF-style: chr9-100226155-C-A. GRCh37 (hg19) VCF-style: chr9-102988437-C-A.
Other names: c.367C>A (NM_014425.4); c.79C>A, p.Arg27= (NM_001318381.2); c.-623C>A (NM_001318382.2).
Identifiers: ClinVar variation 2727703 (VCV002727703.4), dbSNP rs149315279, ClinGen allele CA5158146.